The following is an entry in ClinVar:

ClinVar aggregate classification (germline): Pathogenic (1 of 4 stars; one submission).

Conditions:
Neurofibromatosis, type 1 (NF1). Also called: Peripheral type neurofibromatosis; VON RECKLINGHAUSEN DISEASE; Neurofibromatosis, type I; NEUROFIBROMATOSIS, TYPE I, SOMATIC. Identifiers: Orphanet 636, MedGen C0027831, MONDO:0018975, OMIM 162200. Disease mechanism: loss of function.

Submission:

Labcorp Genetics (formerly Invitae), Labcorp
Classification: Pathogenic for Neurofibromatosis, type 1. Last evaluated: 2019-10-09. Review status: criteria provided, single submitter. Criteria: Invitae Variant Classification Sherloc (09022015). Collection method: clinical testing. Allele origin: germline.
Comment: This variant has not been reported in the literature in individuals with NF1-related conditions. This sequence change creates a premature translational stop signal (p.Gln315Hisfs*16) in the NF1 gene. It is expected to result in an absent or disrupted protein product. This variant is not present in population databases (ExAC no frequency). Loss-of-function variants in NF1 are known to be pathogenic (PMID: 10712197, 23913538). For these reasons, this variant has been classified as Pathogenic.

Literature cited by the submitters: PubMed 10712197; PubMed 23913538.

NM_001042492.3(NF1):c.944_945insTGCC (p.Gln315fs)

Gene: NF1 (neurofibromin 1; plus strand). Cytogenetic location: 17q11.2.
Variant type: Insertion.
Coding change: c.944_945insTGCC on transcript NM_001042492.3 (MANE Select); coding-DNA positions 944 to 945, TGCC inserted.
Protein change: p.Gln315fs; shifts the reading frame from glutamine 315.
Molecular consequence: frameshift variant.
Genome position: GRCh38 VCF-style: chr17-31200477-A-ATGCC. GRCh37 (hg19) VCF-style: chr17-29527495-A-ATGCC.
Other names: c.944_945insTGCC, p.Gln315Hisfs (NM_000267.4); c.944_945insTGCC, p.Gln315fs (NM_001128147.3); short protein forms Q315fs.
Identifiers: ClinVar variation 936575 (VCV000936575.6), dbSNP rs2066506904, ClinGen allele CA1139665313.
Genomic context (GRCh38, chr17:31,200,477, plus strand): 5'-TGTAGAAGTTATTTCTGGACAGTCTACGAAAAGCTCTTGCTGGCCATGGAGGAAGTAGGC[A>ATGCC]GCTGACAGAAAGTGCTGCAATTGCCTGTGTCAAACTGTGTAAAGCAAGTACTTACATCAA-3'